The following is an entry in ClinVar:

ClinVar aggregate classification (germline): Conflicting classifications of pathogenicity. Review status: criteria provided, conflicting classifications (1 of 4 stars). 14 submissions from 14 submitters: Uncertain significance (11); Likely benign (2). 1 of the submissions does not count toward it. Last evaluated 2025-12-30.

Conditions:
Hereditary nonpolyposis colorectal neoplasms. Identifiers: MedGen C0009405, MeSH D003123.
Hereditary cancer-predisposing syndrome. Also called: Neoplastic Syndromes, Hereditary; Hereditary neoplastic syndrome; Hereditary Cancer Syndrome; Tumor predisposition. Identifiers: Orphanet 140162, MedGen C0027672, MeSH D009386, MONDO:0015356.
Lynch syndrome 5 (LYNCH5). Also called: Hereditary non-polyposis colorectal cancer, type 5; Colorectal cancer, hereditary nonpolyposis, type 5. Identifiers: Orphanet 144, MedGen C1833477, MONDO:0013710, OMIM 614350. Disease mechanism: loss of function.
Lynch syndrome. Identifiers: Orphanet 144, MedGen C4552100, MONDO:0005835. Disease mechanism: loss of function.
Endometrial carcinoma. Also called: Endometrial carcinoma, somatic. Identifiers: MedGen C0476089, MONDO:0002447, OMIM 608089, HP:0012114.

Allele frequency attached by ClinVar (database versions not stated): gnomAD exomes 0.00001 and 0.00003; TOPMed 0.00002; gnomAD 0.00003.

Submissions (14):

Labcorp Genetics (formerly Invitae), Labcorp
Classification: Likely benign for Hereditary nonpolyposis colorectal neoplasms. Last evaluated: 2025-12-30. Review status: criteria provided, single submitter. Criteria: Invitae Variant Classification Sherloc (09022015). Collection method: clinical testing. Allele origin: germline.

Center for Genomic Medicine, Rigshospitalet, Copenhagen University Hospital
Classification: Uncertain significance. Last evaluated: 2025-12-29. Review status: criteria provided, single submitter. Criteria: ACMG Guidelines, 2015. Collection method: clinical testing. Allele origin: germline.
Comment: Classification criteria: BP4

Color Diagnostics, LLC DBA Color Health
Classification: Uncertain significance for Hereditary cancer-predisposing syndrome. Last evaluated: 2025-09-12. Review status: criteria provided, single submitter. Criteria: ACMG Guidelines, 2015. Collection method: clinical testing. Allele origin: germline.
Comment: This missense variant replaces glycine with serine at codon 624 of the MSH6 protein. Computational prediction suggests that this variant may not impact protein structure and function. To our knowledge, functional studies have not been reported for this variant. This variant has not been reported in individuals affected with MSH6-related disorders in the literature. This variant has been identified in 3/281786 chromosomes in the general population by the Genome Aggregation Database (gnomAD). The available evidence is insufficient to determine the role of this variant in disease conclusively. Therefore, this variant is classified as a Variant of Uncertain Significance.

GeneDx
Classification: Uncertain significance. Last evaluated: 2024-12-26. Review status: criteria provided, single submitter. Criteria: GeneDx Variant Classification Process June 2021. Collection method: clinical testing. Allele origin: germline. Affected: yes.
Comment: Not observed at significant frequency in large population cohorts (gnomAD); In silico analysis indicates that this missense variant does not alter protein structure/function; Observed in individuals with breast cancer (PMID: 25503501, 32095738); This variant is associated with the following publications: (PMID: 21097718, 23621914, 30212499, 31762146, 25503501, 32095738, 24608573, 17531815, 21120944)

ARUP Laboratories, Molecular Genetics and Genomics, ARUP Laboratories
Classification: Uncertain significance. Last evaluated: 2024-10-15. Review status: criteria provided, single submitter. Criteria: ARUP Molecular Germline Variant Investigation Process 2024. Collection method: clinical testing. Allele origin: germline.
Comment: The MSH6 c.1870G>A; p.Gly624Ser variant (rs868760377, ClinVar Variation ID: 230869) is reported in the literature in individuals affected with breast cancer (Bradbury 2018). This variant is only observed on three alleles in the Genome Aggregation Database (v2.1.1), indicating it is not a common polymorphism. Computational analyses predict that this variant is neutral (REVEL: 0.08). Due to limited information, the clinical significance of this variant is uncertain at this time. References: Bradbury AR et al. Returning Individual Genetic Research Results to Research Participants: Uptake and Outcomes Among Patients With Breast Cancer. JCO Precis Oncol. 2018;2:PO.17.00250. PMID: 32095738.

Revvity Omics, Revvity
Classification: Uncertain significance. Last evaluated: 2023-12-29. Review status: criteria provided, single submitter. Criteria: ACMG Guidelines, 2015. Collection method: clinical testing. Allele origin: germline.

All of Us Research Program, National Institutes of Health
Classification: Uncertain significance for Lynch syndrome. Last evaluated: 2023-11-20. Review status: criteria provided, single submitter. Criteria: ACMG Guidelines, 2015. Collection method: clinical testing. Allele origin: germline. Inheritance: Autosomal dominant inheritance. Observed: 3 variant alleles, 3 heterozygotes.
Comment: This missense variant replaces glycine with serine at codon 624 of the MSH6 protein. Computational prediction suggests that this variant may not impact protein structure and function (internally defined REVEL score threshold <= 0.5, PMID: 27666373). To our knowledge, functional studies have not been reported for this variant. This variant has been reported in individuals affected with breast cancer (PMID: 25503501, 32095738). This variant has been identified in 3/281786 chromosomes in the general population by the Genome Aggregation Database (gnomAD). The available evidence is insufficient to determine the role of this variant in disease conclusively. Therefore, this variant is classified as a Variant of Uncertain Significance.

This study involves interpretation of variants in research participants for the purpose of population health screening. Participant phenotype was not available at the time of variant classification. Additional details can be found in publication PMID: 35346344, PMCID: PMC8962531

Blueprint Genetics
Classification: Uncertain significance. Last evaluated: 2023-10-10. Review status: criteria provided, single submitter. Criteria: ACMG Guidelines, 2015. Collection method: clinical testing. Allele origin: germline.

Baylor Genetics
Classification: Uncertain significance for Endometrial carcinoma. Last evaluated: 2023-06-19. Review status: criteria provided, single submitter. Criteria: ACMG Guidelines, 2015. Collection method: clinical testing. Allele origin: unknown.

Myriad Genetics, Inc.
Classification: Uncertain significance for Lynch syndrome 5. Last evaluated: 2023-03-27. Review status: criteria provided, single submitter. Criteria: Myriad Autosomal Dominant, Autosomal Recessive and X-Linked Classification Criteria (2023). Collection method: clinical testing. Allele origin: unknown.
Comment: This variant is classified as a variant of uncertain significance as there is insufficient evidence to determine its impact on protein function and/or cancer risk.

Women's Health and Genetics/Laboratory Corporation of America, LabCorp
Classification: Uncertain significance. Last evaluated: 2022-03-29. Review status: criteria provided, single submitter. Criteria: LabCorp Variant Classification Summary - May 2015. Collection method: clinical testing. Allele origin: germline.
Comment: Variant summary: MSH6 c.1870G>A (p.Gly624Ser) results in a non-conservative amino acid change located in the DNA mismatch repair protein MutS, connector domain of the encoded protein sequence. Three of five in-silico tools predict a damaging effect of the variant on protein function. The variant allele was found at a frequency of 8e-06 in 250392 control chromosomes. The available data on variant occurrences in the general population are insufficient to allow any conclusion about variant significance. c.1870G>A has been reported in the literature in individuals affected with breast cancer (example, Maxwell_2014, Bradbury_2018). These reports do not provide unequivocal conclusions about association of the variant with Lynch Syndrome. To our knowledge, no experimental evidence demonstrating an impact on protein function has been reported. Six clinical diagnostic laboratories have submitted clinical-significance assessments for this variant to ClinVar after 2014 without evidence for independent evaluation, five classified as VUS while one classified as likely benign. Based on the evidence outlined above, the variant was classified as uncertain significance.

Ambry Genetics
Classification: Likely benign for Hereditary cancer-predisposing syndrome. Last evaluated: 2018-08-16. Review status: criteria provided, single submitter. Criteria: Ambry Variant Classification Scheme 2023. Collection method: clinical testing. Allele origin: germline.

Quest Diagnostics Nichols Institute San Juan Capistrano
Classification: Uncertain significance. Last evaluated: 2017-01-23. Review status: criteria provided, single submitter. Criteria: Quest Diagnostics criteria. Collection method: clinical testing. Allele origin: germline.

Counsyl
Classification: Uncertain significance for Lynch syndrome 5. Last evaluated: 2017-05-02. Review status: no assertion criteria provided. Collection method: clinical testing. Allele origin: unknown. Not counted in ClinVar's aggregate classification.

Literature cited by the submitters: PubMed 25503501 (cited by 4 submitters); PubMed 32095738 (cited by All of Us Research Program, National Institutes of Health and Women's Health and Genetics/Laboratory Corporation of America, LabCorp); PubMed 23621914 (cited by 4 submitters); PubMed 24608573 (cited by Women's Health and Genetics/Laboratory Corporation of America, LabCorp).

NM_000179.3(MSH6):c.1870G>A (p.Gly624Ser)

Gene: MSH6 (mutS homolog 6; plus strand). Cytogenetic location: 2p16.3.
Variant type: single nucleotide variant.
Coding change: c.1870G>A on transcript NM_000179.3 (MANE Select); coding-DNA position 1870, G replaced by A.
Protein change: p.Gly624Ser; replaces glycine 624 with serine.
Molecular consequence: missense variant.
Genome position (GRCh38, 1-based): chr2:47,799,853, G>A. VCF-style: chr2-47799853-G-A. GRCh37 (hg19) VCF-style: chr2-48026992-G-A.
Other names: c.1480G>A, p.Gly494Ser (NM_001281492.2); c.964G>A, p.Gly322Ser (NM_001281493.2, NM_001281494.2); short protein forms G624S, G494S, G322S.
Identifiers: ClinVar variation 230869 (VCV000230869.36), dbSNP rs868760377, ClinGen allele CA10578081.